The following is an entry in ClinVar:

ClinVar aggregate classification (germline): Benign. Review status: criteria provided, multiple submitters, no conflicts (2 of 4 stars). 4 submissions from 4 submitters: Benign (3). 1 of the submissions does not count toward it. Last evaluated 2026-02-02.

Conditions:
EXPH5-related disorder. Also called: EXPH5-related condition.

Allele frequency attached by ClinVar (database versions not stated): 1000 Genomes Project 30x 0.05309; ESP Exome Variant Server 0.03862; 1000 Genomes Project 0.05391; ExAC 0.02092; gnomAD exomes 0.01842; TOPMed 0.03843.
gnomAD v4.1: 18,106 of 1,614,104 alleles (1.1%); highest among the groups gnomAD compares: African/African-American, 11%; 766 homozygotes.

Submissions (4):

Labcorp Genetics (formerly Invitae), Labcorp
Classification: Benign. Last evaluated: 2026-02-02. Review status: criteria provided, single submitter. Criteria: Invitae Variant Classification Sherloc (09022015). Collection method: clinical testing. Allele origin: germline.

GeneDx
Classification: Benign. Last evaluated: 2021-05-04. Review status: criteria provided, single submitter. Criteria: GeneDx Variant Classification Process June 2021. Collection method: clinical testing. Allele origin: germline. Affected: yes.

Breakthrough Genomics
Classification: Benign. Review status: criteria provided, single submitter. Criteria: ACMG Guidelines, 2015. Collection method: not provided. Allele origin: germline. Inheritance: Autosomal recessive inheritance. Affected: yes.

PreventionGenetics, part of Exact Sciences
Classification: Benign for EXPH5-related condition. Last evaluated: 2023-12-11. Review status: no assertion criteria provided. Collection method: clinical testing. Allele origin: germline. Not counted in ClinVar's aggregate classification.
Comment: This variant is classified as benign based on ACMG/AMP sequence variant interpretation guidelines (Richards et al. 2015 PMID: 25741868, with internal and published modifications).

NM_015065.3(EXPH5):c.2674A>T (p.Asn892Tyr)

Gene: EXPH5 (exophilin 5; minus strand). Cytogenetic location: 11q22.3.
Variant type: single nucleotide variant.
Coding change: c.2674A>T on transcript NM_015065.3 (MANE Select); coding-DNA position 2674, A replaced by T.
Protein change: p.Asn892Tyr; replaces asparagine 892 with tyrosine.
Molecular consequence: missense variant.
Genome position (GRCh38, 1-based): chr11:108,512,833, T>A on the plus strand (A>T on the coding strand, the complement: EXPH5 is on the minus strand). VCF-style: chr11-108512833-T-A. GRCh37 (hg19) VCF-style: chr11-108383560-T-A.
Other names: c.2446A>T, p.Asn816Tyr (NM_001144763.2); c.2206A>T, p.Asn736Tyr (NM_001144764.2); c.2110A>T, p.Asn704Tyr (NM_001144765.2); c.2653A>T, p.Asn885Tyr (NM_001308019.2); short protein forms N704Y, N736Y, N816Y, N885Y, N892Y.
Identifiers: ClinVar variation 1264655 (VCV001264655.13), dbSNP rs10890850, ClinGen allele CA6267824.